The following is an entry in ClinVar:

NM_013275.6(ANKRD11):c.768C>T (p.Tyr256=)

Gene: ANKRD11 (ankyrin repeat domain 11; minus strand). Cytogenetic location: 16q24.3.
Variant type: single nucleotide variant.
Coding change: c.768C>T on transcript NM_013275.6 (MANE Select); coding-DNA position 768, C replaced by T.
Protein change: p.Tyr256=; no amino-acid change (tyrosine 256 retained).
Molecular consequence: synonymous variant.
Genome position (GRCh38, 1-based): chr16:89,286,163, G>A on the plus strand (C>T on the coding strand, the complement: ANKRD11 is on the minus strand). VCF-style: chr16-89286163-G-A. GRCh37 (hg19) VCF-style: chr16-89352571-G-A.
Other names: c.768C>T, p.Tyr256= (NM_001256182.2, NM_001256183.2).
Identifiers: ClinVar variation 1254608 (VCV001254608.20), dbSNP rs758198532, ClinGen allele CA8242935.

ClinVar aggregate classification (germline): Likely benign. Review status: criteria provided, multiple submitters, no conflicts (2 of 4 stars). 3 submissions from 3 submitters: Likely benign (3). Last evaluated 2025-06-01.

Conditions:
KBG syndrome (KBGS). Also called: ANKRD11-Related KBG Syndrome. Identifiers: Orphanet 2332, MedGen C0220687, MONDO:0007846, OMIM 148050.

Allele frequency attached by ClinVar (database versions not stated): ExAC 0.00002; gnomAD 0.00002 and 0.00003; gnomAD exomes 0.00002 and 0.00003; TOPMed 0.00002.
gnomAD v4.1: 51 of 1,613,880 alleles (0.0032%); highest among the groups gnomAD compares: East Asian, 0.0045%; no homozygotes.

Submissions (3):

CeGaT Center for Human Genetics Tuebingen
Classification: Likely benign. Last evaluated: 2025-06-01. Review status: criteria provided, single submitter. Criteria: CeGaT Center For Human Genetics Tuebingen Variant Classification Criteria Version 2. Collection method: clinical testing. Allele origin: germline. Affected: yes. Observed: 1 variant allele.
Comment: ANKRD11: BP4, BP7

Labcorp Genetics (formerly Invitae), Labcorp
Classification: Likely benign for KBG syndrome. Last evaluated: 2024-06-18. Review status: criteria provided, single submitter. Criteria: Invitae Variant Classification Sherloc (09022015). Collection method: clinical testing. Allele origin: germline.

GeneDx
Classification: Likely benign. Last evaluated: 2021-02-03. Review status: criteria provided, single submitter. Criteria: GeneDx Variant Classification Process June 2021. Collection method: clinical testing. Allele origin: germline. Affected: yes.